The following is an entry in ClinVar:

ClinVar aggregate classification (germline): Uncertain significance (1 of 4 stars; one submission).

Conditions:
Mitochondrial DNA depletion syndrome 13. Also called: FBXL4-Related Encephalomyopathic Mitochondrial DNA Depletion Syndrome; Mitochondrial DNA depletion syndrome 13 (encephalomyopathic type). Identifiers: Orphanet 369897, MedGen C3809592, MONDO:0014198, OMIM 615471.

Allele frequency attached by ClinVar (database versions not stated): gnomAD exomes below 0.00001; ExAC 0.00001.
gnomAD v4.1: 2 of 1,603,766 alleles (0.00012%); highest among the groups gnomAD compares: Non-Finnish European, 0.00017%; no homozygotes.

Submission:

Wong Mito Lab, Molecular and Human Genetics, Baylor College of Medicine
Classification: Uncertain significance for Mitochondrial DNA depletion syndrome 13. Last evaluated: 2017-08-10. Review status: criteria provided, single submitter. Criteria: ACMG Guidelines, 2015. Collection method: reference population. Allele origin: germline.
Comment: The NM_012160.4:c.506A>C (NP_036292.2:p.Glu169Ala) [GRCH38: NC_000006.12:g.98926483T>G] variant in FBXL4 gene is interpretated to be a Uncertain Significance - Insufficient Evidence based on ACMG guidelines (PMID: 25741868). This variant meets one or more of the following evidence codes reported in the ACMG-guideline. PM2:This variant is absent in key population databases. Based on this evidence code ClinGen Pathogenicity Calculator (PMID:28081714) suggested that the variant is Uncertain Significance - Insufficient Evidence.

NM_001278716.2(FBXL4):c.506A>C (p.Glu169Ala)

Gene: FBXL4 (F-box and leucine rich repeat protein 4; minus strand). Cytogenetic location: 6q16.2.
Variant type: single nucleotide variant.
Coding change: c.506A>C on transcript NM_001278716.2 (MANE Select); coding-DNA position 506, A replaced by C.
Protein change: p.Glu169Ala; replaces glutamic acid 169 with alanine.
Molecular consequence: missense variant. On other transcripts: non-coding transcript variant (2).
Genome position (GRCh38, 1-based): chr6:98,926,483, T>G on the plus strand (A>C on the coding strand, the complement: FBXL4 is on the minus strand). VCF-style: chr6-98926483-T-G. GRCh37 (hg19) VCF-style: chr6-99374359-T-G.
Other names: c.506A>C, p.Glu169Ala (NM_012160.5); short protein forms E169A.
Identifiers: ClinVar variation 437585 (VCV000437585.1), dbSNP rs775872113, ClinGen allele CA3933678.
Genomic context (GRCh38, chr6:98,926,483, plus strand): 5'-AACAACCAAAACCTTTCTACCATATAACTTAGGTCATTAAAAAATTAGTCTTACCTTACT[T>G]CAGCTGGTGGATTTGGGGAATAAGGATTTGCAGAACAAGCGAGAATTCTAATGACTGCTC-3'
Protein context (NP_001265645.1, residues 159-179): ANPYSPNPPA[Glu169Ala]VRWEILWSER